The following is an entry in ClinVar:

NM_016004.5(IFT52):c.-27G>C

Gene: IFT52 (intraflagellar transport 52; plus strand). Cytogenetic location: 20q13.12.
Variant type: single nucleotide variant.
Coding change: c.-27G>C on transcript NM_016004.5 (MANE Select); 27 bases upstream of the start codon, G replaced by C.
Molecular consequence: 5 prime UTR variant. On other transcripts: intron variant (4).
Genome position (GRCh38, 1-based): chr20:43,591,034, G>C. VCF-style: chr20-43591034-G-C. GRCh37 (hg19) VCF-style: chr20-42219674-G-C.
Other names: c.-698G>C (NM_001323578.2); c.-791G>C (NM_001323579.2); c.-678+5G>C (NM_001323580.2); c.-771+5G>C (NM_001323581.2); c.-7+5G>C (NM_001303458.3, NM_001303459.3).
Identifiers: ClinVar variation 3899022 (VCV003899022.1).
Genomic context (GRCh38, chr20:43,591,034, plus strand): 5'-TCTCCGGTTACTAAGCGGCCTTGGATACCTGGCCGCGGGATGCTGGGCGGCGTCAGGTGA[G>C]CGGTGGTCGCTGGGCCTCAGGTAAAGGGCGCCAACAGTGGTGGGCCGGCTGGGGCGTTGG-3'

ClinVar aggregate classification (germline): Uncertain significance (1 of 4 stars; one submission).

gnomAD v4.1: 118 of 152,442 alleles (0.077%); highest among the groups gnomAD compares: African/African-American, 0.26%; 1 homozygote.

Submission:

GeneDx
Classification: Uncertain significance. Last evaluated: 2024-11-08. Review status: criteria provided, single submitter. Criteria: GeneDx Variant Classification Process June 2021. Collection method: clinical testing. Allele origin: germline. Affected: yes.
Comment: In silico analysis supports a deleterious effect on splicing; Has not been previously published as pathogenic or benign to our knowledge